The following is an entry in ClinVar:

NM_058216.3(RAD51C):c.532C>A (p.Gln178Lys)

Gene: RAD51C (RAD51 paralog C; plus strand). Cytogenetic location: 17q22.
Variant type: single nucleotide variant.
Coding change: c.532C>A on transcript NM_058216.3 (MANE Select); coding-DNA position 532, C replaced by A.
Protein change: p.Gln178Lys; replaces glutamine 178 with lysine.
Molecular consequence: missense variant.
Genome position (GRCh38, 1-based): chr17:58,696,820, C>A. VCF-style: chr17-58696820-C-A. GRCh37 (hg19) VCF-style: chr17-56774181-C-A.
Other names: short protein forms Q178K.
Identifiers: ClinVar variation 1412450 (VCV001412450.10), dbSNP rs1555594861, ClinGen allele CA400345194.

ClinVar aggregate classification (germline): Uncertain significance. Review status: criteria provided, multiple submitters, no conflicts (2 of 4 stars). 3 submissions from 3 submitters: Uncertain significance (3). Last evaluated 2023-01-08.

Conditions:
Fanconi anemia complementation group O. Also called: RAD51C-Related Fanconi Anemia. Identifiers: Orphanet 84, MedGen C3150653, MONDO:0013248, OMIM 613390.
Hereditary cancer-predisposing syndrome. Also called: Hereditary neoplastic syndrome; Neoplastic Syndromes, Hereditary; Hereditary Cancer Syndrome; Tumor predisposition. Identifiers: Orphanet 140162, MedGen C0027672, MeSH D009386, MONDO:0015356.

Allele frequency attached by ClinVar (database versions not stated): gnomAD exomes below 0.00001.
gnomAD v4.1: 1 of 1,614,172 alleles (0.000062%); highest among the groups gnomAD compares: East Asian, 0.0022%; no homozygotes.

Submissions (3):

GeneDx
Classification: Uncertain significance. Last evaluated: 2023-01-08. Review status: criteria provided, single submitter. Criteria: GeneDx Variant Classification Process June 2021. Collection method: clinical testing. Allele origin: germline. Affected: yes.
Comment: Not observed at significant frequency in large population cohorts (gnomAD); In silico analysis supports that this missense variant does not alter protein structure/function; Has not been previously published as pathogenic or benign to our knowledge; This variant is associated with the following publications: (PMID: 14704354)

Labcorp Genetics (formerly Invitae), Labcorp
Classification: Uncertain significance for Fanconi anemia complementation group O. Last evaluated: 2021-03-02. Review status: criteria provided, single submitter. Criteria: Invitae Variant Classification Sherloc (09022015). Collection method: clinical testing. Allele origin: germline.
Comment: This sequence change replaces glutamine with lysine at codon 178 of the RAD51C protein (p.Gln178Lys). The glutamine residue is moderately conserved and there is a small physicochemical difference between glutamine and lysine. This variant is not present in population databases (ExAC no frequency). This variant has not been reported in the literature in individuals with RAD51C-related conditions. Algorithms developed to predict the effect of missense changes on protein structure and function (SIFT, PolyPhen-2, Align-GVGD) all suggest that this variant is likely to be tolerated, but these predictions have not been confirmed by published functional studies and their clinical significance is uncertain. In summary, the available evidence is currently insufficient to determine the role of this variant in disease. Therefore, it has been classified as a Variant of Uncertain Significance.

Ambry Genetics
Classification: Uncertain significance for Hereditary cancer-predisposing syndrome. Last evaluated: 2020-01-17. Review status: criteria provided, single submitter. Criteria: Ambry Variant Classification Scheme 2023. Collection method: clinical testing. Allele origin: germline.
Comment: The p.Q178K variant (also known as c.532C>A), located in coding exon 3 of the RAD51C gene, results from a C to A substitution at nucleotide position 532. The glutamine at codon 178 is replaced by lysine, an amino acid with similar properties. This amino acid position is well conserved in available vertebrate species. In addition, this alteration is predicted to be tolerated by in silico analysis. Since supporting evidence is limited at this time, the clinical significance of this alteration remains unclear.